The following is an entry in ClinVar:

NM_005732.4(RAD50):c.3443G>A (p.Arg1148His)

Genes: TH2LCRR (T helper type 2 locus control region associated RNA; minus strand), RAD50 (RAD50 double strand break repair protein; plus strand), TH2-LCR (Th2 cytokine locus control region; plus strand). Cytogenetic location: 5q31.1.
Variant type: single nucleotide variant.
Coding change: c.3443G>A on transcript NM_005732.4 (MANE Select); coding-DNA position 3443, G replaced by A.
Protein change: p.Arg1148His; replaces arginine 1148 with histidine.
Molecular consequence: missense variant.
Genome position (GRCh38, 1-based): chr5:132,637,168, G>A. VCF-style: chr5-132637168-G-A. GRCh37 (hg19) VCF-style: chr5-131972860-G-A.
Other names: short protein forms R1148H.
Identifiers: ClinVar variation 142677 (VCV000142677.15), dbSNP rs587782637, ClinGen allele CA169096.

ClinVar aggregate classification (germline): Conflicting classifications of pathogenicity. Review status: criteria provided, conflicting classifications (1 of 4 stars). 3 submissions from 3 submitters: Likely pathogenic (1); Uncertain significance (2). Last evaluated 2025-08-07.

Conditions:
Hereditary cancer-predisposing syndrome. Also called: Hereditary Cancer Syndrome; Neoplastic Syndromes, Hereditary; Hereditary neoplastic syndrome; Tumor predisposition. Identifiers: Orphanet 140162, MedGen C0027672, MeSH D009386, MONDO:0015356.
Ovarian cancer. Also called: OVARIAN CANCER, SOMATIC. Identifiers: Orphanet 213500, MedGen C1140680, MONDO:0008170, OMIM 167000.

Allele frequency attached by ClinVar (database versions not stated): gnomAD 0.00001; gnomAD exomes 0.00001 and 0.00002; TOPMed 0.00001; ExAC 0.00002.
gnomAD v4.1: 21 of 1,611,372 alleles (0.0013%); highest among the groups gnomAD compares: East Asian, 0.0022%; no homozygotes.

Submissions (3):

Labcorp Genetics (formerly Invitae), Labcorp
Classification: Uncertain significance for Hereditary cancer-predisposing syndrome. Last evaluated: 2025-08-07. Review status: criteria provided, single submitter. Criteria: Invitae Variant Classification Sherloc (09022015). Collection method: clinical testing. Allele origin: germline.
Comment: This sequence change replaces arginine, which is basic and polar, with histidine, which is basic and polar, at codon 1148 of the RAD50 protein (p.Arg1148His). This variant is present in population databases (rs587782637, gnomAD 0.003%). This variant has not been reported in the literature in individuals affected with RAD50-related conditions. ClinVar contains an entry for this variant (Variation ID: 142677). Invitae Evidence Modeling of protein sequence and biophysical properties (such as structural, functional, and spatial information, amino acid conservation, physicochemical variation, residue mobility, and thermodynamic stability) indicates that this missense variant is expected to disrupt RAD50 protein function with a positive predictive value of 80%. In summary, the available evidence is currently insufficient to determine the role of this variant in disease. Therefore, it has been classified as a Variant of Uncertain Significance.

Ambry Genetics
Classification: Uncertain significance for Hereditary cancer-predisposing syndrome. Last evaluated: 2024-10-18. Review status: criteria provided, single submitter. Criteria: Ambry Variant Classification Scheme 2023. Collection method: clinical testing. Allele origin: germline.
Comment: The p.R1148H variant (also known as c.3443G>A), located in coding exon 22 of the RAD50 gene, results from a G to A substitution at nucleotide position 3443. The arginine at codon 1148 is replaced by histidine, an amino acid with highly similar properties. This variant has been reported in an individual in an ovarian cancer cohort (Fu K et al. Sci Rep, 2024 Mar;14:6702). This amino acid position is highly conserved in available vertebrate species. In addition, this alteration is predicted to be deleterious by in silico analysis. Based on the available evidence, the clinical significance of this variant remains unclear.

Laboratory of Molecular Epidemiology of Birth Defects, West China Second University Hospital, Sichuan University
Classification: Likely pathogenic for Ovarian cancer. Last evaluated: 2022-01-01. Review status: criteria provided, single submitter. Criteria: ACMG Guidelines, 2015. Collection method: clinical testing. Allele origin: germline. Affected: yes.

Literature cited by the submitters: PubMed 38509102 (cited by Ambry Genetics).